The following is an entry in ClinVar:

ClinVar aggregate classification (germline): Uncertain significance (1 of 4 stars; one submission).

Allele frequency attached by ClinVar (database versions not stated): gnomAD exomes below 0.00001 and 0.00002; ExAC 0.00001; gnomAD 0.00003; ESP Exome Variant Server 0.00008.
gnomAD v4.1: 9 of 1,613,362 alleles (0.00056%); highest among the groups gnomAD compares: African/African-American, 0.0093%; no homozygotes.

Submission:

Labcorp Genetics (formerly Invitae), Labcorp
Classification: Uncertain significance. Last evaluated: 2023-11-03. Review status: criteria provided, single submitter. Criteria: Invitae Variant Classification Sherloc (09022015). Collection method: clinical testing. Allele origin: germline.
Comment: This sequence change replaces cysteine, which is neutral and slightly polar, with phenylalanine, which is neutral and non-polar, at codon 1062 of the PCLO protein (p.Cys1062Phe). This variant is present in population databases (rs368907875, gnomAD 0.02%). This variant has not been reported in the literature in individuals affected with PCLO-related conditions. ClinVar contains an entry for this variant (Variation ID: 1359852). Experimental studies and prediction algorithms are not available or were not evaluated, and the functional significance of this variant is currently unknown. In summary, the available evidence is currently insufficient to determine the role of this variant in disease. Therefore, it has been classified as a Variant of Uncertain Significance.

NM_033026.6(PCLO):c.3185G>T (p.Cys1062Phe)

Gene: PCLO (piccolo presynaptic cytomatrix protein; minus strand). Cytogenetic location: 7q21.11.
Variant type: single nucleotide variant.
Coding change: c.3185G>T on transcript NM_033026.6 (MANE Select); coding-DNA position 3185, G replaced by T.
Protein change: p.Cys1062Phe; replaces cysteine 1062 with phenylalanine.
Molecular consequence: missense variant.
Genome position (GRCh38, 1-based): chr7:83,134,365, C>A on the plus strand (G>T on the coding strand, the complement: PCLO is on the minus strand). VCF-style: chr7-83134365-C-A. GRCh37 (hg19) VCF-style: chr7-82763681-C-A.
Other names: c.3185G>T, p.Cys1062Phe (NM_014510.3); short protein forms C1062F.
Identifiers: ClinVar variation 1359852 (VCV001359852.4), dbSNP rs368907875, ClinGen allele CA4321125.